The following is an entry in ClinVar:

ClinVar aggregate classification (germline): Uncertain significance (1 of 4 stars; one submission).

Conditions:
Meckel syndrome, type 11 (MKS11). Identifiers: Orphanet 564, MedGen C3809352, MONDO:0014164, OMIM 615397.
Joubert syndrome 20 (JBTS20). Identifiers: Orphanet 475, MedGen C3554235, MONDO:0013994, OMIM 614970.

Submission:

Labcorp Genetics (formerly Invitae), Labcorp
Classification: Uncertain significance for Joubert syndrome 20; Meckel syndrome, type 11. Last evaluated: 2023-12-21. Review status: criteria provided, single submitter. Criteria: Invitae Variant Classification Sherloc (09022015). Collection method: clinical testing. Allele origin: germline.
Comment: This variant results in a copy number gain of the genomic region encompassing exon(s) 2-6 of the TMEM231 gene. This region includes the termination codon of the gene. This copy number gain extends beyond the assayed region for this gene and therefore may encompass additional genes. As the precise location of this event is unknown, it may be in tandem or it may be located elsewhere in the genome. This variant has not been reported in the literature in individuals affected with TMEM231-related conditions. In summary, the available evidence is currently insufficient to determine the role of this variant in disease. Therefore, it has been classified as a Variant of Uncertain Significance.

NC_000016.9:g.(?_75573892)_(75579872_?)dup

Gene: TMEM231 (transmembrane protein 231; minus strand). Cytogenetic location: 16q23.1.
Variant type: Duplication.
Identifiers: ClinVar variation 1467866 (VCV001467866.5).